The following is an entry in ClinVar:

NM_000059.4(BRCA2):c.6052dup (p.Ser2018fs)

Gene: BRCA2 (BRCA2 DNA repair associated; plus strand). Cytogenetic location: 13q13.1.
Variant type: Duplication.
Coding change: c.6052dup on transcript NM_000059.4 (MANE Select); coding-DNA position 6052, one base duplicated (A; older notation c.6052dupA).
Protein change: p.Ser2018fs; shifts the reading frame from serine 2018.
Molecular consequence: frameshift variant. On other transcripts: non-coding transcript variant (1), intron variant (2).
Genome position (GRCh38, 1-based): chr13:32,340,407, A duplicated; the last of 4 consecutive A bases (chr13:32,340,404-32,340,407); duplicating any one gives the same sequence. VCF-style (leftmost placement, unchanged base first): chr13-32340403-T-TA. GRCh37 (hg19) VCF-style: chr13-32914540-T-TA.
Other names: c.6052dup, p.Ser2018fs (NM_001406719.1, NM_001406720.1); c.1910-4151dup (NM_001406721.1); c.425-4151dup (NM_001406722.1); short protein forms S2018fs.
Identifiers: ClinVar variation 2674530 (VCV002674530.1), dbSNP rs2548532450, ClinGen allele CA2695199683.

ClinVar aggregate classification (germline): Pathogenic (1 of 4 stars; one submission).

Conditions:
Breast-ovarian cancer, familial, susceptibility to, 2 (BROVCA2). Also called: BRCA2 Hereditary Breast and Ovarian Cancer. Identifiers: Orphanet 145, MedGen C2675520, MONDO:0012933, OMIM 612555. Disease mechanism: loss of function.

Submission:

Myriad Genetics, Inc.
Classification: Pathogenic for Breast-ovarian cancer, familial, susceptibility to, 2. Last evaluated: 2023-08-28. Review status: criteria provided, single submitter. Criteria: Myriad Autosomal Dominant, Autosomal Recessive and X-Linked Classification Criteria (2023). Collection method: clinical testing. Allele origin: unknown.
Comment: This variant is considered pathogenic. This variant creates a frameshift predicted to result in premature protein truncation.